The following is an entry in ClinVar:

NM_004035.7(ACOX1):c.1813dup (p.Ala605fs)

Gene: ACOX1 (acyl-CoA oxidase 1; minus strand). Cytogenetic location: 17q25.1.
Variant type: Duplication.
Coding change: c.1813dup on transcript NM_004035.7 (MANE Select); coding-DNA position 1813, one base duplicated (G; older notation c.1813dupG).
Protein change: p.Ala605fs; shifts the reading frame from alanine 605.
Molecular consequence: frameshift variant.
Genome position (GRCh38, 1-based): chr17:75,948,373, C duplicated on the plus strand (G on the coding strand, the reverse complement: ACOX1 is on the minus strand). VCF-style (leftmost placement, unchanged base first): chr17-75948372-G-GC. GRCh37 (hg19) VCF-style: chr17-73944453-G-GC.
Other names: c.1699dup, p.Ala567fs (NM_001185039.2); c.1813dup, p.Ala605fs (NM_007292.6); c.1813dupG (NM_004035.7); short protein forms A567fs, A605fs.
Identifiers: ClinVar variation 2446710 (VCV002446710.2), dbSNP rs2546073737, ClinGen allele CA2580095198.
Genomic context (GRCh38, chr17:75,948,372, plus strand): 5'-TCATAGCGGCCAAGCACAGAGCCAAGTGTCACATCCTGAAAATCAAATGCATCAACCAAA[G>GC]CAACAGCATCTGAGCGAATCAGAGTGAGTAACTCCTTTACACGCTGGTTTACTTGTGTAA-3'

ClinVar aggregate classification (germline): Likely pathogenic (1 of 4 stars; one submission).

Conditions:
Acyl-CoA oxidase deficiency. Also called: STRAIGHT-CHAIN ACYL-CoA OXIDASE DEFICIENCY; Peroxisomal acyl-CoA oxidase deficiency; Pseudoneonatal adrenoleukodystrophy. Identifiers: Orphanet 2971, MedGen C1849678, MONDO:0009919, OMIM 264470. Disease mechanism: loss of function.

Submission:

Lifecell International Pvt. Ltd
Classification: Likely pathogenic for Acyl-CoA oxidase deficiency. Review status: criteria provided, single submitter. Criteria: ACMG Guidelines, 2015. Collection method: clinical testing. Allele origin: germline. Inheritance: Autosomal recessive inheritance. Affected: yes. Observed: 1 homozygote.
Comment: A Homozygous Frameshift variant c.1813dupG in Exon 13 of the ACOX1 gene that results in the premature termination of the protein (p.Ala605fs*4) was identified. The observed variant has a minor allele frequency of 0.00% in gnomAD exomes and genomes, respectively. The severity of the impact of this variant on the protein is high, based on the effect of the protein and REVEL score . Rare Exome Variant Ensemble Learner (REVEL) is an ensembl method for predicting the pathogenicity of missense variants based on a combination of scores from 13 individual tools: MutPred, FATHMM v2.3, VEST 3.0, PolyPhen-2, SIFT, PROVEAN, MutationAssessor, MutationTaster, LRT, GERP++, SiPhy, phyloP, and phastCons. The REVEL score for an individual missense variant can range from 0 to 1, with higher scores reflecting greater likelihood that the variant is disease-causing. Based on the above evidence this variant has been classified as Likely Pathogenic according to the ACMG guidelines.